The following is an entry in ClinVar:

ClinVar aggregate classification (germline): Uncertain significance. Review status: criteria provided, multiple submitters, no conflicts (2 of 4 stars). 2 submissions from 2 submitters: Uncertain significance (2). Last evaluated 2025-11-26.

Conditions:
Cardiovascular phenotype. Identifiers: MedGen CN230736.
Hereditary hemorrhagic telangiectasia (HHT). Also called: ORW DISEASE; Osler Weber Rendu syndrome; OSLER-RENDU-WEBER DISEASE; Osler hemorrhagic telangiectasia syndrome. Identifiers: Orphanet 774, MedGen C0039445, MONDO:0019180. Disease mechanism: loss of function.

gnomAD v4.1: 1 of 1,609,444 alleles (0.000062%); highest among the groups gnomAD compares: Non-Finnish European, 0.000085%; no homozygotes.

Submissions (2):

Labcorp Genetics (formerly Invitae), Labcorp
Classification: Uncertain significance for Hereditary hemorrhagic telangiectasia. Last evaluated: 2025-11-26. Review status: criteria provided, single submitter. Criteria: Invitae Variant Classification Sherloc (09022015). Collection method: clinical testing. Allele origin: germline.
Comment: This sequence change replaces alanine, which is neutral and non-polar, with glutamic acid, which is acidic and polar, at codon 425 of the ENG protein (p.Ala425Glu). This variant is not present in population databases (gnomAD no frequency). This variant has not been reported in the literature in individuals affected with ENG-related conditions. ClinVar contains an entry for this variant (Variation ID: 652180). An algorithm developed to predict the effect of missense changes on protein structure and function (PolyPhen-2) suggests that this variant is likely to be tolerated. In summary, the available evidence is currently insufficient to determine the role of this variant in disease. Therefore, it has been classified as a Variant of Uncertain Significance.

Ambry Genetics
Classification: Uncertain significance for Cardiovascular phenotype. Last evaluated: 2023-06-09. Review status: criteria provided, single submitter. Criteria: Ambry Variant Classification Scheme 2023. Collection method: clinical testing. Allele origin: germline.
Comment: The p.A425E variant (also known as c.1274C>A), located in coding exon 10 of the ENG gene, results from a C to A substitution at nucleotide position 1274. The alanine at codon 425 is replaced by glutamic acid, an amino acid with dissimilar properties. This amino acid position is poorly conserved in available vertebrate species. In addition, this alteration is predicted to be tolerated by in silico analysis. Since supporting evidence is limited at this time, the clinical significance of this alteration remains unclear.

NM_001114753.3(ENG):c.1274C>A (p.Ala425Glu)

Genes: ENG (endoglin; minus strand), LOC102723566 (uncharacterized LOC102723566; plus strand). Cytogenetic location: 9q34.11.
Variant type: single nucleotide variant.
Coding change: c.1274C>A on transcript NM_001114753.3 (MANE Select); coding-DNA position 1274, C replaced by A.
Protein change: p.Ala425Glu; replaces alanine 425 with glutamic acid.
Molecular consequence: missense variant.
Genome position (GRCh38, 1-based): chr9:127,819,659, G>T on the plus strand (C>A on the coding strand, the complement: ENG is on the minus strand). VCF-style: chr9-127819659-G-T. GRCh37 (hg19) VCF-style: chr9-130581938-G-T.
Other names: c.1274C>A (NM_001114753.1); c.1274C>A, p.Ala425Glu (NM_000118.4); c.728C>A, p.Ala243Glu (NM_001278138.2); short protein forms A243E, A425E.
Identifiers: ClinVar variation 652180 (VCV000652180.12), dbSNP rs369997021, ClinGen allele CA374978152.